The following is an entry in ClinVar:

NM_000218.3(KCNQ1):c.562T>C (p.Trp188Arg)

Gene: KCNQ1 (potassium voltage-gated channel subfamily Q member 1; plus strand). Cytogenetic location: 11p15.5.
Variant type: single nucleotide variant.
Coding change: c.562T>C on transcript NM_000218.3 (MANE Select); coding-DNA position 562, T replaced by C.
Protein change: p.Trp188Arg; replaces tryptophan 188 with arginine.
Molecular consequence: missense variant. On other transcripts: intron variant (1).
Genome position (GRCh38, 1-based): chr11:2,570,712, T>C. VCF-style: chr11-2570712-T-C. GRCh37 (hg19) VCF-style: chr11-2591942-T-C.
Other names: c.562T>C, p.Trp188Arg (NM_001406836.1); c.292T>C, p.Trp98Arg (NM_001406837.1); c.181T>C, p.Trp61Arg (NM_181798.2); c.478-12723T>C (NM_001406838.1); short protein forms W188R, W98R, W61R.
Identifiers: ClinVar variation 2795978 (VCV002795978.3), dbSNP rs1199157260, ClinGen allele CA379129946.
Genomic context (GRCh38, chr11:2,570,712, plus strand): 5'-GGGACGGAGTACGTGGTCCGCCTCTGGTCCGCCGGCTGCCGCAGCAAGTACGTGGGCCTC[T>C]GGGGGCGGCTGCGCTTTGCCCGGAAGCCCATTTCCATCATCGGTGAGTCATGCCTGCCCT-3'
Protein context (NP_000209.2, residues 178-198): AGCRSKYVGL[Trp188Arg]GRLRFARKPI

ClinVar aggregate classification (germline): Uncertain significance (1 of 4 stars; one submission).

Conditions:
Long QT syndrome (LQTS). Identifiers: MedGen C0023976, MeSH D008133, MONDO:0002442. Disease mechanism: loss of function. Inheritance: Various modes of inheritance.

gnomAD v4.1: 1 of 1,612,406 alleles (0.000062%); highest among the groups gnomAD compares: Non-Finnish European, 0.000085%; no homozygotes.

Submission:

Labcorp Genetics (formerly Invitae), Labcorp
Classification: Uncertain significance for Long QT syndrome. Last evaluated: 2023-10-10. Review status: criteria provided, single submitter. Criteria: Invitae Variant Classification Sherloc (09022015). Collection method: clinical testing. Allele origin: germline.
Comment: This sequence change replaces tryptophan, which is neutral and slightly polar, with arginine, which is basic and polar, at codon 188 of the KCNQ1 protein (p.Trp188Arg). This variant is not present in population databases (gnomAD no frequency). This variant has not been reported in the literature in individuals affected with KCNQ1-related conditions. Advanced modeling of protein sequence and biophysical properties (such as structural, functional, and spatial information, amino acid conservation, physicochemical variation, residue mobility, and thermodynamic stability) performed at Invitae indicates that this missense variant is not expected to disrupt KCNQ1 protein function. Experimental studies have shown that this missense change affects KCNQ1 function (PMID: 26469389). In summary, the available evidence is currently insufficient to determine the role of this variant in disease. Therefore, it has been classified as a Variant of Uncertain Significance.

Literature cited by the submitters: PubMed 26469389.